The following is an entry in ClinVar:

ClinVar aggregate classification (germline): Uncertain significance (1 of 4 stars; one submission).

Allele frequency attached by ClinVar (database versions not stated): gnomAD exomes 0.00002.
gnomAD v4.1: 25 of 1,614,010 alleles (0.0015%); highest among the groups gnomAD compares: Non-Finnish European, 0.0021%; no homozygotes.

Submission:

Labcorp Genetics (formerly Invitae), Labcorp
Classification: Uncertain significance. Last evaluated: 2022-08-31. Review status: criteria provided, single submitter. Criteria: Invitae Variant Classification Sherloc (09022015). Collection method: clinical testing. Allele origin: germline.
Comment: Advanced modeling of protein sequence and biophysical properties (such as structural, functional, and spatial information, amino acid conservation, physicochemical variation, residue mobility, and thermodynamic stability) performed at Invitae indicates that this missense variant is not expected to disrupt NOTCH3 protein function. ClinVar contains an entry for this variant (Variation ID: 1423314). This variant has not been reported in the literature in individuals affected with NOTCH3-related conditions. This variant is not present in population databases (gnomAD no frequency). This sequence change replaces glutamine, which is neutral and polar, with arginine, which is basic and polar, at codon 1868 of the NOTCH3 protein (p.Gln1868Arg). In summary, the available evidence is currently insufficient to determine the role of this variant in disease. Therefore, it has been classified as a Variant of Uncertain Significance.

NM_000435.3(NOTCH3):c.5603A>G (p.Gln1868Arg)

Gene: NOTCH3 (notch receptor 3; minus strand). Cytogenetic location: 19p13.12.
Variant type: single nucleotide variant.
Coding change: c.5603A>G on transcript NM_000435.3 (MANE Select); coding-DNA position 5603, A replaced by G.
Protein change: p.Gln1868Arg; replaces glutamine 1868 with arginine.
Molecular consequence: missense variant.
Genome position (GRCh38, 1-based): chr19:15,165,851, T>C on the plus strand (A>G on the coding strand, the complement: NOTCH3 is on the minus strand). VCF-style: chr19-15165851-T-C. GRCh37 (hg19) VCF-style: chr19-15276662-T-C.
Other names: short protein forms Q1868R.
Identifiers: ClinVar variation 1423314 (VCV001423314.8), dbSNP rs2145391979, ClinGen allele CA404494293.